The following is an entry in ClinVar:

NM_000350.3(ABCA4):c.457A>G (p.Ile153Val)

Gene: ABCA4 (ATP binding cassette subfamily A member 4; minus strand). Cytogenetic location: 1p22.1.
Variant type: single nucleotide variant.
Coding change: c.457A>G on transcript NM_000350.3 (MANE Select); coding-DNA position 457, A replaced by G.
Protein change: p.Ile153Val; replaces isoleucine 153 with valine.
Molecular consequence: missense variant.
Genome position (GRCh38, 1-based): chr1:94,103,128, T>C on the plus strand (A>G on the coding strand, the complement: ABCA4 is on the minus strand). VCF-style: chr1-94103128-T-C. GRCh37 (hg19) VCF-style: chr1-94568684-T-C.
Other names: c.457A>G, p.Ile153Val (NM_001425324.1); short protein forms I153V.
Identifiers: ClinVar variation 960217 (VCV000960217.9), dbSNP rs1662330621, ClinGen allele CA341291394.

ClinVar aggregate classification (germline): Uncertain significance (1 of 4 stars; one submission).

Submission:

Labcorp Genetics (formerly Invitae), Labcorp
Classification: Uncertain significance. Last evaluated: 2023-10-03. Review status: criteria provided, single submitter. Criteria: Invitae Variant Classification Sherloc (09022015). Collection method: clinical testing. Allele origin: germline.
Comment: This sequence change replaces isoleucine, which is neutral and non-polar, with valine, which is neutral and non-polar, at codon 153 of the ABCA4 protein (p.Ile153Val). This variant is not present in population databases (gnomAD no frequency). This variant has not been reported in the literature in individuals affected with ABCA4-related conditions. ClinVar contains an entry for this variant (Variation ID: 960217). Advanced modeling of protein sequence and biophysical properties (such as structural, functional, and spatial information, amino acid conservation, physicochemical variation, residue mobility, and thermodynamic stability) performed at Invitae indicates that this missense variant is not expected to disrupt ABCA4 protein function. In summary, the available evidence is currently insufficient to determine the role of this variant in disease. Therefore, it has been classified as a Variant of Uncertain Significance.